The following is an entry in ClinVar:

ClinVar aggregate classification (germline): Uncertain significance. Review status: criteria provided, multiple submitters, no conflicts (2 of 4 stars). 2 submissions from 2 submitters: Uncertain significance (2). Last evaluated 2025-07-28.

Conditions:
Charcot-Marie-Tooth disease axonal type 2O. Also called: Charcot-Marie-Tooth Neuropathy Type 2O; Charcot-Marie-Tooth disease, axonal, type 20; CHARCOT-MARIE-TOOTH NEUROPATHY, AXONAL, TYPE 2O; CHARCOT-MARIE-TOOTH DISEASE, AXONAL, AUTOSOMAL DOMINANT, TYPE 2O. Identifiers: Orphanet 284232, MedGen C3280220, MONDO:0013644, OMIM 614228.

Submissions (2):

Women's Health and Genetics/Laboratory Corporation of America, LabCorp
Classification: Uncertain significance. Last evaluated: 2025-07-28. Review status: criteria provided, single submitter. Criteria: LabCorp Variant Classification Summary - May 2015. Collection method: clinical testing. Allele origin: germline.
Comment: Variant summary: DYNC1H1 c.7937A>T (p.Asn2646Ile) results in a non-conservative amino acid change in the encoded protein sequence. Algorithms developed to predict the effect of missense changes on protein structure and function are either unavailable or do not agree on the potential impact of this missense change. The variant was absent in 251488 control chromosomes. The available data on variant occurrences in the general population are insufficient to allow any conclusion about variant significance. To our knowledge, no occurrence of c.7937A>T in individuals affected with Charcot-Marie-Tooth disease axonal type 2O and no experimental evidence demonstrating its impact on protein function have been reported. ClinVar contains an entry for this variant (Variation ID: 963166). Based on the evidence outlined above, the variant was classified as uncertain significance.

Labcorp Genetics (formerly Invitae), Labcorp
Classification: Uncertain significance for Charcot-Marie-Tooth disease axonal type 2O. Last evaluated: 2019-08-25. Review status: criteria provided, single submitter. Criteria: Invitae Variant Classification Sherloc (09022015). Collection method: clinical testing. Allele origin: germline.
Comment: This variant is not present in population databases (ExAC no frequency). This sequence change replaces asparagine with isoleucine at codon 2646 of the DYNC1H1 protein (p.Asn2646Ile). The asparagine residue is highly conserved and there is a large physicochemical difference between asparagine and isoleucine. This variant has not been reported in the literature in individuals with DYNC1H1-related conditions. In summary, the available evidence is currently insufficient to determine the role of this variant in disease. Therefore, it has been classified as a Variant of Uncertain Significance. Algorithms developed to predict the effect of missense changes on protein structure and function are either unavailable or do not agree on the potential impact of this missense change (SIFT: "Deleterious"; PolyPhen-2: "Probably Damaging"; Align-GVGD: "Class C15").

NM_001376.5(DYNC1H1):c.7937A>T (p.Asn2646Ile)

Gene: DYNC1H1 (dynein cytoplasmic 1 heavy chain 1; plus strand). Cytogenetic location: 14q32.31.
Variant type: single nucleotide variant.
Coding change: c.7937A>T on transcript NM_001376.5 (MANE Select); coding-DNA position 7937, A replaced by T.
Protein change: p.Asn2646Ile; replaces asparagine 2646 with isoleucine.
Molecular consequence: missense variant.
Genome position (GRCh38, 1-based): chr14:102,017,176, A>T. VCF-style: chr14-102017176-A-T. GRCh37 (hg19) VCF-style: chr14-102483513-A-T.
Other names: short protein forms N2646I.
Identifiers: ClinVar variation 963166 (VCV000963166.10), dbSNP rs2048333160, ClinGen allele CA391003688.